The following is an entry in ClinVar:

ClinVar aggregate classification (germline): Benign. Review status: criteria provided, multiple submitters, no conflicts (2 of 4 stars). 2 submissions from 2 submitters: Benign (2). Last evaluated 2018-06-16.

Allele frequency attached by ClinVar (database versions not stated): gnomAD exomes 0.02667; 1000 Genomes Project 0.06949; gnomAD 0.07069 and 0.07376; 1000 Genomes Project 30x 0.07121; TOPMed 0.07645.
gnomAD v4.1: 37,078 of 1,129,710 alleles (3.3%); highest among the groups gnomAD compares: African/African-American, 19%; 1,619 homozygotes.

Submissions (2):

GeneDx
Classification: Benign. Last evaluated: 2018-06-16. Review status: criteria provided, single submitter. Criteria: GeneDx Variant Classification (06012015). Collection method: clinical testing. Allele origin: germline. Affected: yes.
Comment: This variant is considered likely benign or benign based on one or more of the following criteria: it is a conservative change, it occurs at a poorly conserved position in the protein, it is predicted to be benign by multiple in silico algorithms, and/or has population frequency not consistent with disease.

Breakthrough Genomics
Classification: Benign. Review status: criteria provided, single submitter. Criteria: ACMG Guidelines, 2015. Collection method: not provided. Allele origin: germline. Inheritance: Autosomal recessive inheritance. Affected: yes.

NM_001852.4(COL9A2):c.1604-144G>A

Gene: COL9A2 (collagen type IX alpha 2 chain; minus strand). Cytogenetic location: 1p34.2.
Variant type: single nucleotide variant.
Coding change: c.1604-144G>A on transcript NM_001852.4 (MANE Select); 144 bases into the intron before coding-DNA position 1604, G replaced by A.
Molecular consequence: intron variant.
Genome position (GRCh38, 1-based): chr1:40,302,953, C>T on the plus strand (G>A on the coding strand, the complement: COL9A2 is on the minus strand). VCF-style: chr1-40302953-C-T. GRCh37 (hg19) VCF-style: chr1-40768625-C-T.
Identifiers: ClinVar variation 677892 (VCV000677892.2), dbSNP rs3737819, ClinGen allele CA10836802.